The following is an entry in ClinVar:

NM_000400.4(ERCC2):c.1323del (p.Leu442fs)

Gene: ERCC2 (ERCC excision repair 2, TFIIH core complex helicase subunit; minus strand). Cytogenetic location: 19q13.32.
Variant type: Deletion.
Coding change: c.1323del on transcript NM_000400.4 (MANE Select); coding-DNA position 1323, one base deleted (G; older notation c.1323delG).
Protein change: p.Leu442fs; shifts the reading frame from leucine 442.
Molecular consequence: frameshift variant. On other transcripts: non-coding transcript variant (3).
Genome position (GRCh38, 1-based): chr19:45,357,528, C deleted on the plus strand (G on the coding strand, the reverse complement: ERCC2 is on the minus strand). VCF-style (leftmost placement, unchanged base first): chr19-45357527-GC-G. GRCh37 (hg19) VCF-style: chr19-45860785-GC-G.
Other names: c.1251del, p.Leu418fs (NM_001440355.1); c.1245del, p.Leu416fs (NM_001440356.1); c.1200del, p.Leu401fs (NM_001440357.1); short protein forms L416fs, L418fs, L401fs, L442fs.
Identifiers: ClinVar variation 5006007 (VCV005006007.2).
Genomic context (GRCh38, chr19:45,357,527, plus strand): 5'-TCCTTACCCCAGATGTGATGATGACAGACTGGAAACGCTCAAATACGGGTTTGATGGCCA[GC>G]GAGGCGTCCATGCAGCTGGAGAGAGATGAGGGCAGTGAGGGCCCGGGGGGCTGGGCCCCC-3'

ClinVar aggregate classification (germline): Likely pathogenic (1 of 4 stars; one submission).

Conditions:
Xeroderma pigmentosum, group D (XPD). Also called: XERODERMA PIGMENTOSUM, COMPLEMENTATION GROUP D; XERODERMA PIGMENTOSUM IV; XP, GROUP D; XP, GROUP H; ERCC2-Related Xeroderma Pigmentosum. Identifiers: MedGen C0268138, MONDO:0010212, OMIM 278730.
Cerebrooculofacioskeletal syndrome 2 (COFS2). Identifiers: MedGen C1853102, MONDO:0012553, OMIM 610756.
Trichothiodystrophy 1, photosensitive (TTD1). Also called: TAY SYNDROME; TRICHOTHIODYSTROPHY WITH CONGENITAL ICHTHYOSIS; PIBIDS SYNDROME. Identifiers: Orphanet 33364, MedGen C1866504, MONDO:0011125, OMIM 601675.

Submission:

Juno Genomics, Hangzhou Juno Genomics, Inc
Classification: Likely pathogenic for Trichothiodystrophy 1, photosensitive; Xeroderma pigmentosum, group D; Cerebrooculofacioskeletal syndrome 2. Review status: criteria provided, single submitter. Criteria: ACMG Guidelines, 2015. Collection method: clinical testing. Allele origin: germline.
Comment: Null variant in a gene where loss of function (LOF) is a known mechanism of disease.;Absent from controls (or at extremely low frequency if recessive) in Genome Aggregation Database.